The following is an entry in ClinVar:

ClinVar aggregate classification (germline): Uncertain significance (1 of 4 stars; one submission).

Conditions:
Cardiovascular phenotype. Identifiers: MedGen CN230736.

gnomAD v4.1: 1 of 1,613,646 alleles (0.000062%); highest among the groups gnomAD compares: Non-Finnish European, 0.000085%; no homozygotes.

Submission:

Ambry Genetics
Classification: Uncertain significance for Cardiovascular phenotype. Last evaluated: 2025-05-20. Review status: criteria provided, single submitter. Criteria: Ambry Variant Classification Scheme 2023. Collection method: clinical testing. Allele origin: germline.
Comment: The p.D122N variant (also known as c.364G>A), located in coding exon 3 of the SPRED1 gene, results from a G to A substitution at nucleotide position 364. The aspartic acid at codon 122 is replaced by asparagine, an amino acid with highly similar properties. This amino acid position is conserved. In addition, the in silico prediction for this alteration is inconclusive. Based on the available evidence, the clinical significance of this variant remains unclear.

NM_152594.3(SPRED1):c.364G>A (p.Asp122Asn)

Gene: SPRED1 (sprouty related EVH1 domain containing 1; plus strand). Cytogenetic location: 15q14.
Variant type: single nucleotide variant.
Coding change: c.364G>A on transcript NM_152594.3 (MANE Select); coding-DNA position 364, G replaced by A.
Protein change: p.Asp122Asn; replaces aspartic acid 122 with asparagine.
Molecular consequence: missense variant.
Genome position (GRCh38, 1-based): chr15:38,322,397, G>A. VCF-style: chr15-38322397-G-A. GRCh37 (hg19) VCF-style: chr15-38614598-G-A.
Other names: short protein forms D122N.
Identifiers: ClinVar variation 3961397 (VCV003961397.1).